The following is an entry in ClinVar:

NM_024700.4(SNIP1):c.536G>A (p.Arg179Gln)

Genes: SNIP1 (Smad nuclear interacting protein 1; minus strand), LOC126805704 (BRD4-independent group 4 enhancer GRCh37_chr1:38005292-38006491; plus strand). Cytogenetic location: 1p34.3.
Variant type: single nucleotide variant.
Coding change: c.536G>A on transcript NM_024700.4 (MANE Select); coding-DNA position 536, G replaced by A.
Protein change: p.Arg179Gln; replaces arginine 179 with glutamine.
Molecular consequence: missense variant.
Genome position (GRCh38, 1-based): chr1:37,540,547, C>T on the plus strand (G>A on the coding strand, the complement: SNIP1 is on the minus strand). VCF-style: chr1-37540547-C-T. GRCh37 (hg19) VCF-style: chr1-38006148-C-T.
Other names: short protein forms R179Q.
Identifiers: ClinVar variation 1404227 (VCV001404227.6), dbSNP rs781247363, ClinGen allele CA771312.

ClinVar aggregate classification (germline): Uncertain significance (1 of 4 stars; one submission).

Allele frequency attached by ClinVar (database versions not stated): gnomAD exomes 0.00004 and 0.00011; gnomAD 0.00011 and 0.00014; TOPMed 0.00012; ExAC 0.00013.
gnomAD v4.1: 76 of 1,614,000 alleles (0.0047%); highest among the groups gnomAD compares: African/African-American, 0.056%; no homozygotes.

Submission:

Labcorp Genetics (formerly Invitae), Labcorp
Classification: Uncertain significance. Last evaluated: 2024-03-19. Review status: criteria provided, single submitter. Criteria: Invitae Variant Classification Sherloc (09022015). Collection method: clinical testing. Allele origin: germline.
Comment: This sequence change replaces arginine, which is basic and polar, with glutamine, which is neutral and polar, at codon 179 of the SNIP1 protein (p.Arg179Gln). This variant is present in population databases (rs781247363, gnomAD 0.07%), and has an allele count higher than expected for a pathogenic variant. This variant has not been reported in the literature in individuals affected with SNIP1-related conditions. ClinVar contains an entry for this variant (Variation ID: 1404227). Advanced modeling of protein sequence and biophysical properties (such as structural, functional, and spatial information, amino acid conservation, physicochemical variation, residue mobility, and thermodynamic stability) performed at Invitae indicates that this missense variant is not expected to disrupt SNIP1 protein function with a negative predictive value of 80%. In summary, the available evidence is currently insufficient to determine the role of this variant in disease. Therefore, it has been classified as a Variant of Uncertain Significance.